The following is an entry in ClinVar:

ClinVar aggregate classification (germline): Uncertain significance (1 of 4 stars; one submission).

Conditions:
AHDC1-related intellectual disability - obstructive sleep apnea - mild dysmorphism syndrome. Also called: Xia-Gibbs syndrome. Identifiers: Orphanet 412069, MedGen C4014419, MONDO:0014358, OMIM 615829.

Submission:

Juno Genomics, Hangzhou Juno Genomics, Inc
Classification: Uncertain significance for AHDC1-related intellectual disability - obstructive sleep apnea - mild dysmorphism syndrome. Review status: criteria provided, single submitter. Criteria: ACMG Guidelines, 2015. Collection method: clinical testing. Allele origin: germline. Affected: yes.
Comment: Absent from controls (or at extremely low frequency if recessive) in Genome Aggregation Database, Exome Sequencing Project, 1000 Genomes Project, or Exome Aggregation Consortium.;De novo (both maternity and paternity confirmed) in a patient with the disease and no family history.

NM_001371928.1(AHDC1):c.1414C>T (p.Arg472Trp)

Gene: AHDC1 (AT-hook DNA binding motif containing 1; minus strand). Cytogenetic location: 1p36.11.
Variant type: single nucleotide variant.
Coding change: c.1414C>T on transcript NM_001371928.1 (MANE Select); coding-DNA position 1414, C replaced by T.
Protein change: p.Arg472Trp; replaces arginine 472 with tryptophan.
Molecular consequence: missense variant.
Genome position (GRCh38, 1-based): chr1:27,550,702, G>A on the plus strand (C>T on the coding strand, the complement: AHDC1 is on the minus strand). VCF-style: chr1-27550702-G-A. GRCh37 (hg19) VCF-style: chr1-27877213-G-A.
Other names: c.1414C>T, p.Arg472Trp (NM_001029882.3); short protein forms R472W.
Identifiers: ClinVar variation 3382877 (VCV003382877.2).